The following is an entry in ClinVar:

ClinVar aggregate classification (germline): Uncertain significance (1 of 4 stars; one submission).

Conditions:
Lymphangiomyomatosis (LAM). Also called: Lymphangioleiomyomatosis; Lymphangioleiomyomatosis, somatic. Identifiers: Orphanet 538, MedGen C0751674, MONDO:0011705, OMIM 606690.
Tuberous sclerosis 2 (TSC2). Identifiers: Orphanet 805, MedGen C1860707, MONDO:0013199, OMIM 613254.
Isolated focal cortical dysplasia type II (FCORD2). Also called: Focal cortical dysplasia type II; CORTICAL DYSPLASIA OF TAYLOR. Identifiers: Orphanet 268994, MedGen C1846385, MONDO:0011818, OMIM 607341, HP:0032051.

Submission:

Center for Genomics, Ann and Robert H. Lurie Children's Hospital of Chicago
Classification: Uncertain significance for Lymphangiomyomatosis; Isolated focal cortical dysplasia type II; Tuberous sclerosis 2. Review status: criteria provided, single submitter. Criteria: ACMG Guidelines, 2015. Collection method: clinical testing. Allele origin: germline.
Comment: TSC2 NM_000548.4 intron 6 c.599+5_599+7del: This variant has not been reported in the literature and is not present in large control databases. Evolutionary conservation and computational predictive tools for this variant are limited or unavailable. As this variant occurs in the splice region, computational prediction tools suggest that it could impact splicing. However, further studies are needed to understand its impact. In summary, data on this variant is insufficient for disease classification. Therefore, the clinical significance of this variant is uncertain.

NM_000548.5(TSC2):c.599+5_599+7del

Gene: TSC2 (TSC complex subunit 2; plus strand). Cytogenetic location: 16p13.3.
Variant type: Deletion.
Coding change: c.599+5_599+7del on transcript NM_000548.5 (MANE Select); bases 5 to 7 of the intron after coding-DNA position 599, 3 bases deleted (GAA; older notation c.599+5_599+7delGAA).
Molecular consequence: intron variant.
Genome position (GRCh38, 1-based): chr16:2,055,524-2,055,526, GAA deleted; deleting any 3 consecutive bases within chr16:2,055,522-2,055,526 gives the same sequence; the c. name uses the placement nearest the transcript's 3' end. VCF-style (leftmost placement, unchanged base first): chr16-2055521-TAAG-T. GRCh37 (hg19) VCF-style: chr16-2105522-TAAG-T.
Other names: c.599+5_599+7del (NM_001114382.3, NM_021055.3, NM_001370405.1 and 3 more transcripts); c.488+5_488+7del (NM_001318827.2); c.-1-672_-1-670del (NM_001318831.2); c.452+5_452+7del (NM_001318829.2); c.632+5_632+7del (NM_001318832.2).
Identifiers: ClinVar variation 1527852 (VCV001527852.3), dbSNP rs2151062123, ClinGen allele CA2573151803.
Genomic context (GRCh38, chr16:2,055,521, plus strand): 5'-GTGAACTTGGTCAAATTCAATAGCTGTTACCTCGACGAGTACATCGCAAGGATGGTTCAG[TAAG>T]AAAAGAATTGAGATCCTGTTCTGATAATGGTCCTAAGTTCAGCTCCGCAGTGAATAAAGT-3'